The following is an entry in ClinVar:

NM_000271.5(NPC1):c.2593T>G (p.Ser865Ala)

Gene: NPC1 (NPC intracellular cholesterol transporter 1; minus strand). Cytogenetic location: 18q11.2.
Variant type: single nucleotide variant.
Coding change: c.2593T>G on transcript NM_000271.5 (MANE Select); coding-DNA position 2593, T replaced by G.
Protein change: p.Ser865Ala; replaces serine 865 with alanine.
Molecular consequence: missense variant.
Genome position (GRCh38, 1-based): chr18:23,540,459, A>C on the plus strand (T>G on the coding strand, the complement: NPC1 is on the minus strand). VCF-style: chr18-23540459-A-C. GRCh37 (hg19) VCF-style: chr18-21120423-A-C.
Other names: short protein forms S865A.
Identifiers: ClinVar variation 1347612 (VCV001347612.9), dbSNP rs977397569, ClinGen allele CA401793090.

ClinVar aggregate classification (germline): Conflicting classifications of pathogenicity. Review status: criteria provided, conflicting classifications (1 of 4 stars). 2 submissions from 2 submitters: Likely pathogenic (1); Uncertain significance (1). Last evaluated 2025-03-21.

Conditions:
Niemann-Pick disease, type C1. Also called: NEUROVISCERAL STORAGE DISEASE WITH VERTICAL SUPRANUCLEAR OPHTHALMOPLEGIA; NIEMANN-PICK DISEASE WITH CHOLESTEROL ESTERIFICATION BLOCK; NIEMANN-PICK DISEASE WITHOUT SPHINGOMYELINASE DEFICIENCY; NIEMANN-PICK DISEASE, CHRONIC NEURONOPATHIC FORM; NIEMANN-PICK DISEASE, VARIANT TYPE C1. Identifiers: Orphanet 646, MedGen C3179455, MONDO:0009757, OMIM 257220.

Allele frequency attached by ClinVar (database versions not stated): gnomAD exomes 0.00002.
gnomAD v4.1: 11 of 1,606,046 alleles (0.00068%); highest among the groups gnomAD compares: Admixed American, 0.018%; no homozygotes.

Submissions (2):

First Genomix Gene Laboratory, Genetic Diagnostics Department
Classification: Likely pathogenic for Niemann-Pick disease, type C1. Last evaluated: 2025-03-21. Review status: criteria provided, single submitter. Criteria: ACMG Guidelines, 2015. Collection method: clinical testing. Allele origin: germline. Inheritance: Autosomal recessive inheritance. Affected: no. Observed: 1 variant allele.

Labcorp Genetics (formerly Invitae), Labcorp
Classification: Uncertain significance for Niemann-Pick disease, type C1. Last evaluated: 2022-10-05. Review status: criteria provided, single submitter. Criteria: Invitae Variant Classification Sherloc (09022015). Collection method: clinical testing. Allele origin: germline.
Comment: ClinVar contains an entry for this variant (Variation ID: 1347612). In summary, the available evidence is currently insufficient to determine the role of this variant in disease. Therefore, it has been classified as a Variant of Uncertain Significance. Advanced modeling of protein sequence and biophysical properties (such as structural, functional, and spatial information, amino acid conservation, physicochemical variation, residue mobility, and thermodynamic stability) has been performed at Invitae for this missense variant, however the output from this modeling did not meet the statistical confidence thresholds required to predict the impact of this variant on NPC1 protein function. This variant has not been reported in the literature in individuals affected with NPC1-related conditions. This variant is present in population databases (no rsID available, gnomAD 0.01%). This sequence change replaces serine, which is neutral and polar, with alanine, which is neutral and non-polar, at codon 865 of the NPC1 protein (p.Ser865Ala).